The following is an entry in ClinVar:

ClinVar aggregate classification (germline): Uncertain significance (1 of 4 stars; one submission).

Submission:

Ambry Genetics
Classification: Uncertain significance. Last evaluated: 2026-07-18. Review status: criteria provided, single submitter. Criteria: Ambry Variant Classification Scheme 2023. Collection method: clinical testing. Allele origin: germline.
Comment: The p.L284R variant (also known as c.851T>G), located in coding exon 1 of the MC1R gene, results from a T to G substitution at nucleotide position 851. The leucine at codon 284 is replaced by arginine, an amino acid with dissimilar properties. This amino acid position is conserved. In addition, this alteration is predicted to be deleterious by in silico analysis. Based on the available evidence, the clinical significance of this variant remains unclear.

NM_002386.4(MC1R):c.851T>G (p.Leu284Arg)

Gene: MC1R (melanocortin 1 receptor; plus strand). Cytogenetic location: 16q24.3.
Variant type: single nucleotide variant.
Coding change: c.851T>G on transcript NM_002386.4 (MANE Select); coding-DNA position 851, T replaced by G.
Protein change: p.Leu284Arg; replaces leucine 284 with arginine.
Molecular consequence: missense variant.
Genome position (GRCh38, 1-based): chr16:89,920,109, T>G. VCF-style: chr16-89920109-T-G. GRCh37 (hg19) VCF-style: chr16-89986517-T-G.
Other names: short protein forms L284R.
Identifiers: ClinVar variation 5024071 (VCV005024071.1).